The following is an entry in ClinVar:

NM_004304.5(ALK):c.3549T>G (p.Ile1183Met)

Gene: ALK (ALK receptor tyrosine kinase; minus strand). Cytogenetic location: 2p23.2.
Variant type: single nucleotide variant.
Coding change: c.3549T>G on transcript NM_004304.5 (MANE Select); coding-DNA position 3549, T replaced by G.
Protein change: p.Ile1183Met; replaces isoleucine 1183 with methionine.
Molecular consequence: missense variant.
Genome position (GRCh38, 1-based): chr2:29,220,802, A>C on the plus strand (T>G on the coding strand, the complement: ALK is on the minus strand). VCF-style: chr2-29220802-A-C. GRCh37 (hg19) VCF-style: chr2-29443668-A-C.
Other names: c.345T>G, p.Ile115Met (NM_001353765.2); short protein forms I115M, I1183M.
Identifiers: ClinVar variation 649917 (VCV000649917.9), dbSNP rs1573120422, ClinGen allele CA346473129.
Genomic context (GRCh38, chr2:29,220,802, plus strand): 5'-GTCTCCCCCCGCCATGAGCTCCAGCAGGATGAACCGGGGCAGGGATTGCAGGCTCACCCC[A>C]ATGCAGCGAACAATGTTCTGGTGGTTGAATTTGCTGCAGAGCAGAGAGGGATGTAACCAA-3'
Protein context (NP_004295.2, residues 1173-1193): KFNHQNIVRC[Ile1183Met]GVSLQSLPRF

ClinVar aggregate classification (germline): Uncertain significance. Review status: criteria provided, multiple submitters, no conflicts (2 of 4 stars). 2 submissions from 2 submitters: Uncertain significance (2). Last evaluated 2025-02-16.

Conditions:
Hereditary cancer-predisposing syndrome. Also called: Hereditary Cancer Syndrome; Tumor predisposition; Neoplastic Syndromes, Hereditary; Hereditary neoplastic syndrome. Identifiers: Orphanet 140162, MedGen C0027672, MeSH D009386, MONDO:0015356.
Neuroblastoma, susceptibility to, 3. Also called: ALK-Related Neuroblastic Tumor Susceptibility. Identifiers: Orphanet 635, MedGen C2751681, MONDO:0013083, OMIM 613014.

Allele frequency attached by ClinVar (database versions not stated): gnomAD exomes below 0.00001.
gnomAD v4.1: 1 of 1,614,042 alleles (0.000062%); highest among the groups gnomAD compares: Non-Finnish European, 0.000085%; no homozygotes.

Submissions (2):

Ambry Genetics
Classification: Uncertain significance for Hereditary cancer-predisposing syndrome. Last evaluated: 2025-02-16. Review status: criteria provided, single submitter. Criteria: Ambry Variant Classification Scheme 2023. Collection method: clinical testing. Allele origin: germline.
Comment: The p.I1183M variant (also known as c.3549T>G), located in coding exon 23 of the ALK gene, results from a T to G substitution at nucleotide position 3549. The isoleucine at codon 1183 is replaced by methionine, an amino acid with highly similar properties. This amino acid position is conserved. In addition, the in silico prediction for this alteration is inconclusive. Based on the available evidence, the clinical significance of this variant remains unclear.

Labcorp Genetics (formerly Invitae), Labcorp
Classification: Uncertain significance for Neuroblastoma, susceptibility to, 3. Last evaluated: 2024-05-14. Review status: criteria provided, single submitter. Criteria: Invitae Variant Classification Sherloc (09022015). Collection method: clinical testing. Allele origin: germline.
Comment: This sequence change replaces isoleucine, which is neutral and non-polar, with methionine, which is neutral and non-polar, at codon 1183 of the ALK protein (p.Ile1183Met). This variant is not present in population databases (gnomAD no frequency). This variant has not been reported in the literature in individuals affected with ALK-related conditions. ClinVar contains an entry for this variant (Variation ID: 649917). An algorithm developed to predict the effect of missense changes on protein structure and function (PolyPhen-2) suggests that this variant is likely to be disruptive. In summary, the available evidence is currently insufficient to determine the role of this variant in disease. Therefore, it has been classified as a Variant of Uncertain Significance.